The following is an entry in ClinVar:

ClinVar aggregate classification (germline): Likely pathogenic (1 of 4 stars; one submission).

Conditions:
Hereditary cancer-predisposing syndrome. Also called: Neoplastic Syndromes, Hereditary; Hereditary neoplastic syndrome; Hereditary Cancer Syndrome; Tumor predisposition. Identifiers: Orphanet 140162, MedGen C0027672, MeSH D009386, MONDO:0015356.

Allele frequency attached by ClinVar (database versions not stated): gnomAD exomes below 0.00001.

Submission:

Ambry Genetics
Classification: Likely pathogenic for Hereditary cancer-predisposing syndrome. Last evaluated: 2026-03-31. Review status: criteria provided, single submitter. Criteria: Ambry Variant Classification Scheme 2023. Collection method: clinical testing. Allele origin: germline.
Comment: The c.1390G>A variant (also known as p.G464R), located in coding exon 9 of the FH gene, results from a G to A substitution at nucleotide position 1390. The amino acid change results in glycine to arginine at codon 464, an amino acid with dissimilar properties. This change occurs in the last base pair of coding exon 9, which makes it likely to have some effect on normal mRNA splicing; however, RNA studies have demonstrated that this alteration does not result in abnormal splicing in a set of samples tested (Ambry internal data). This variant was reported in individual(s) with features consistent with pheochromocytoma and paraganglioma (PPGL), but no other FH-related tumors (Ambry internal data). Based on internal structural assessment, p.G464R is anticipated to result in a significant decrease in structural stability (Ambry internal data). This variant was not reported in population-based cohorts in the Genome Aggregation Database (gnomAD). This amino acid position is highly conserved in available vertebrate species. In addition, this alteration is predicted to be deleterious by in silico analysis. Based on the supporting evidence, this alteration is interpreted as likely pathogenic in association with pheochromocytoma and paraganglioma (PPGL), however its association with other FH-related tumors, such as leiomyomas and renal cell cancer, is uncertain.

NM_000143.4(FH):c.1390G>A (p.Gly464Arg)

Gene: FH (fumarate hydratase; minus strand). Cytogenetic location: 1q43.
Variant type: single nucleotide variant.
Coding change: c.1390G>A on transcript NM_000143.4 (MANE Select); coding-DNA position 1390, G replaced by A.
Protein change: p.Gly464Arg; replaces glycine 464 with arginine.
Molecular consequence: missense variant.
Genome position (GRCh38, 1-based): chr1:241,500,437, C>T on the plus strand (G>A on the coding strand, the complement: FH is on the minus strand). VCF-style: chr1-241500437-C-T. GRCh37 (hg19) VCF-style: chr1-241663737-C-T.
Other names: short protein forms G464R.
Identifiers: ClinVar variation 819069 (VCV000819069.5), dbSNP rs1573877922, ClinGen allele CA345436270.
Genomic context (GRCh38, chr1:241,500,437, plus strand): 5'-AAATGGTTTAGCTTTTTAATTTTGCATTCAAAATGATATTATTATTCCTTAAACACTTAC[C>T]TATATGAGGATTGAGAGCTGTCACCAACATTAGAGACTCATTCATCAGCTTGTTGATCCT-3'
Protein context (NP_000134.2, residues 454-474): MLVTALNPHI[Gly464Arg]YDKAAKIAKT